The following is an entry in ClinVar:

NM_000392.5(ABCC2):c.3538C>T (p.Gln1180Ter)

Gene: ABCC2 (ATP binding cassette subfamily C member 2; plus strand). Cytogenetic location: 10q24.2.
Variant type: single nucleotide variant.
Coding change: c.3538C>T on transcript NM_000392.5 (MANE Select); coding-DNA position 3538, C replaced by T.
Protein change: p.Gln1180Ter; replaces glutamine 1180 with a stop codon.
Molecular consequence: nonsense.
Genome position (GRCh38, 1-based): chr10:99,836,214, C>T. VCF-style: chr10-99836214-C-T. GRCh37 (hg19) VCF-style: chr10-101595971-C-T.
Other names: c.3538C>T (NM_000392.4); c.3538C>T, p.Gln1180Ter (LRG_1208t1); short protein forms Q1180*.
Identifiers: ClinVar variation 593738 (VCV000593738.11), dbSNP rs183923599, ClinGen allele CA5643838.
Genomic context (GRCh38, chr10:99,836,214, plus strand): 5'-TACTCTCACTTCAGCGAGACCGTATCAGGTTTGCCAGTTATCCGTGCCTTTGAGCACCAG[C>T]AGCGATTTCTGAAACACAATGAGGTGAGGATTGACACCAACCAGAAATGTGTCTTTTCCT-3'

ClinVar aggregate classification (germline): Pathogenic. Review status: criteria provided, multiple submitters, no conflicts (2 of 4 stars). 4 submissions from 4 submitters: Pathogenic (4). Last evaluated 2026-05-27.

Conditions:
ABCC2-related disorder. Also called: ABCC2-related condition.

Allele frequency attached by ClinVar (database versions not stated): gnomAD 0.00001; gnomAD exomes 0.00001 and 0.00002; ExAC 0.00002; 1000 Genomes Project 30x 0.00016; 1000 Genomes Project 0.00020.
gnomAD v4.1: 8 of 1,614,198 alleles (0.0005%); highest among the groups gnomAD compares: Admixed American, 0.012%; 1 homozygote.

Submissions (4):

PreventionGenetics, part of Exact Sciences
Classification: Pathogenic for ABCC2-related condition. Last evaluated: 2026-05-27. Review status: criteria provided, single submitter. Criteria: ACMG Guidelines, 2015. Collection method: clinical testing. Allele origin: germline.
Comment: The ABCC2 c.3538C>T variant is predicted to result in premature protein termination (p.Gln1180*). To our knowledge, this variant has not been reported in the literature in association with Dubin-Johnson syndrome. This variant is reported in 0.014% of alleles in individuals of Latino descent in gnomAD. Protein truncating variants in ABCC2 are known to be disease-causing (Corpechot et al. 2019. PubMed ID: 31544333). This variant is interpreted as pathogenic.

Labcorp Genetics (formerly Invitae), Labcorp
Classification: Pathogenic. Last evaluated: 2024-01-03. Review status: criteria provided, single submitter. Criteria: Invitae Variant Classification Sherloc (09022015). Collection method: clinical testing. Allele origin: germline.
Comment: This sequence change creates a premature translational stop signal (p.Gln1180*) in the ABCC2 gene. It is expected to result in an absent or disrupted protein product. Loss-of-function variants in ABCC2 are known to be pathogenic (PMID: 9185779, 16549534, 16952291). This variant is present in population databases (rs183923599, gnomAD 0.01%). This variant has not been reported in the literature in individuals affected with ABCC2-related conditions. ClinVar contains an entry for this variant (Variation ID: 593738). For these reasons, this variant has been classified as Pathogenic.

GeneDx
Classification: Pathogenic. Last evaluated: 2022-02-24. Review status: criteria provided, single submitter. Criteria: GeneDx Variant Classification Process June 2021. Collection method: clinical testing. Allele origin: germline. Affected: yes.
Comment: Nonsense variant predicted to result in protein truncation or nonsense mediated decay in a gene for which loss-of-function is a known mechanism of disease; Has not been previously published as pathogenic or benign to our knowledge

Eurofins Ntd Llc (ga)
Classification: Pathogenic. Last evaluated: 2017-08-18. Review status: criteria provided, single submitter. Criteria: EGL Classification Definitions 2015. Collection method: clinical testing. Allele origin: germline. Observed: 1 variant allele, 1 heterozygote.

Literature cited by the submitters: PubMed 9185779 (cited by Labcorp Genetics (formerly Invitae), Labcorp); PubMed 16549534 (cited by Labcorp Genetics (formerly Invitae), Labcorp); PubMed 16952291 (cited by Labcorp Genetics (formerly Invitae), Labcorp).